The following is an entry in ClinVar:

NM_031844.3(HNRNPU):c.554G>T (p.Gly185Val)

Gene: HNRNPU (heterogeneous nuclear ribonucleoprotein U; minus strand). Cytogenetic location: 1q44.
Variant type: single nucleotide variant.
Coding change: c.554G>T on transcript NM_031844.3 (MANE Select); coding-DNA position 554, G replaced by T.
Protein change: p.Gly185Val; replaces glycine 185 with valine.
Molecular consequence: missense variant.
Genome position (GRCh38, 1-based): chr1:244,863,754, C>A on the plus strand (G>T on the coding strand, the complement: HNRNPU is on the minus strand). VCF-style: chr1-244863754-C-A. GRCh37 (hg19) VCF-style: chr1-245027056-C-A.
Other names: c.554G>T, p.Gly185Val (NM_004501.3); short protein forms G185V.
Identifiers: ClinVar variation 656202 (VCV000656202.9), dbSNP rs1573337696, ClinGen allele CA345496579.

ClinVar aggregate classification (germline): Uncertain significance (1 of 4 stars; one submission).

Conditions:
Developmental and epileptic encephalopathy, 54. Also called: Epileptic encephalopathy, early infantile, 54; HNRNPU-Related Neurodevelopmental Disorder. Identifiers: MedGen C4479319, MONDO:0033363, OMIM 617391.

Submission:

Labcorp Genetics (formerly Invitae), Labcorp
Classification: Uncertain significance for Developmental and epileptic encephalopathy, 54. Last evaluated: 2020-03-04. Review status: criteria provided, single submitter. Criteria: Invitae Variant Classification Sherloc (09022015). Collection method: clinical testing. Allele origin: germline.
Comment: In summary, the available evidence is currently insufficient to determine the role of this variant in disease. Therefore, it has been classified as a Variant of Uncertain Significance. Algorithms developed to predict the effect of sequence changes on RNA splicing suggest that this variant may create or strengthen a splice site, but this prediction has not been confirmed by published transcriptional studies. Algorithms developed to predict the effect of missense changes on protein structure and function are either unavailable or do not agree on the potential impact of this missense change (SIFT: "Deleterious"; PolyPhen-2: "Probably Damaging"; Align-GVGD: "Class C0"). This variant has not been reported in the literature in individuals with HNRNPU-related disease. This variant is not present in population databases (ExAC no frequency). This sequence change replaces glycine with valine at codon 185 of the HNRNPU protein (p.Gly185Val). The glycine residue is weakly conserved and there is a moderate physicochemical difference between glycine and valine.